The following is an entry in ClinVar:

NM_001367624.2(ZNF469):c.2607G>C (p.Ala869=)

Gene: ZNF469 (zinc finger protein 469; plus strand). Cytogenetic location: 16q24.2.
Variant type: single nucleotide variant.
Coding change: c.2607G>C on transcript NM_001367624.2 (MANE Select); coding-DNA position 2607, G replaced by C.
Protein change: p.Ala869=; no amino-acid change (alanine 869 retained).
Molecular consequence: synonymous variant.
Genome position (GRCh38, 1-based): chr16:88,430,077, G>C. VCF-style: chr16-88430077-G-C. GRCh37 (hg19) VCF-style: chr16-88496485-G-C.
Other names: NM_001127464.1:c.2607G>C.
Identifiers: ClinVar variation 1704876 (VCV001704876.10), dbSNP rs757252816, ClinGen allele CA497353535.
Genomic context (GRCh38, chr16:88,430,077, plus strand): 5'-CGGCATGGAGTACCAGTCGGACAACCCGGAGATCGACAGCAGCTTCATCGACGTCTTCGC[G>C]GACGAGGAGCCTTCCGGCCCCAGAGGTCCCAGCTCCGGACACCCCCTTAAGAGCAAGGCG-3'
Protein context (NP_001354553.1, residues 859-879): EIDSSFIDVF[Ala869=]DEEPSGPRGP

ClinVar aggregate classification (germline): Likely benign. Review status: criteria provided, multiple submitters, no conflicts (2 of 4 stars). 5 submissions from 5 submitters: Likely benign (5). Last evaluated 2026-01-28.

Conditions:
Cardiovascular phenotype. Identifiers: MedGen CN230736.

gnomAD v4.1: 58 of 1,550,364 alleles (0.0037%); highest among the groups gnomAD compares: East Asian, 0.12%; no homozygotes.

Submissions (5):

Labcorp Genetics (formerly Invitae), Labcorp
Classification: Likely benign. Last evaluated: 2026-01-28. Review status: criteria provided, single submitter. Criteria: Invitae Variant Classification Sherloc (09022015). Collection method: clinical testing. Allele origin: germline.

Women's Health and Genetics/Laboratory Corporation of America, LabCorp
Classification: Likely benign. Last evaluated: 2025-04-14. Review status: criteria provided, single submitter. Criteria: LabCorp Variant Classification Summary - May 2015. Collection method: clinical testing. Allele origin: germline.

Blueprint Genetics
Classification: Likely benign. Last evaluated: 2023-11-16. Review status: criteria provided, single submitter. Criteria: ACMG Guidelines, 2015. Collection method: clinical testing. Allele origin: germline.

Ambry Genetics
Classification: Likely benign for Cardiovascular phenotype. Last evaluated: 2022-04-19. Review status: criteria provided, single submitter. Criteria: Ambry Variant Classification Scheme 2023. Collection method: clinical testing. Allele origin: germline.

GeneDx
Classification: Likely benign. Last evaluated: 2021-09-24. Review status: criteria provided, single submitter. Criteria: GeneDx Variant Classification Process June 2021. Collection method: clinical testing. Allele origin: germline. Affected: yes.
Comment: See Variant Classification Assertion Criteria.